The following is an entry in ClinVar:

ClinVar aggregate classification (germline): Uncertain significance. Review status: criteria provided, multiple submitters, no conflicts (2 of 4 stars). 2 submissions from 2 submitters: Uncertain significance (2). Last evaluated 2022-10-21.

Allele frequency attached by ClinVar (database versions not stated): ExAC 0.00001; TOPMed 0.00001; gnomAD exomes 0.00002 and 0.00003.
gnomAD v4.1: 29 of 1,211,100 alleles (0.0024%); highest among the groups gnomAD compares: Admixed American, 0.0043%; no homozygotes.

Submissions (2):

Labcorp Genetics (formerly Invitae), Labcorp
Classification: Uncertain significance. Last evaluated: 2022-10-21. Review status: criteria provided, single submitter. Criteria: Invitae Variant Classification Sherloc (09022015). Collection method: clinical testing. Allele origin: germline.
Comment: In summary, the available evidence is currently insufficient to determine the role of this variant in disease. Therefore, it has been classified as a Variant of Uncertain Significance. Advanced modeling of protein sequence and biophysical properties (such as structural, functional, and spatial information, amino acid conservation, physicochemical variation, residue mobility, and thermodynamic stability) has been performed at Invitae for this missense variant, however the output from this modeling did not meet the statistical confidence thresholds required to predict the impact of this variant on HUWE1 protein function. ClinVar contains an entry for this variant (Variation ID: 283731). This variant has not been reported in the literature in individuals affected with HUWE1-related conditions. This variant is present in population databases (rs782052479, gnomAD 0.008%). This sequence change replaces glutamic acid, which is acidic and polar, with valine, which is neutral and non-polar, at codon 2853 of the HUWE1 protein (p.Glu2853Val).

Eurofins Ntd Llc (ga)
Classification: Uncertain significance. Last evaluated: 2015-09-29. Review status: criteria provided, single submitter. Criteria: EGL Classification Definitions 2015. Collection method: clinical testing. Allele origin: germline. Observed: 1 variant allele, 1 hemizygote.

NM_031407.7(HUWE1):c.8558A>T (p.Glu2853Val)

Gene: HUWE1 (HECT, UBA and WWE domain containing E3 ubiquitin protein ligase 1; minus strand). Cytogenetic location: Xp11.22.
Variant type: single nucleotide variant.
Coding change: c.8558A>T on transcript NM_031407.7 (MANE Select); coding-DNA position 8558, A replaced by T.
Protein change: p.Glu2853Val; replaces glutamic acid 2853 with valine.
Molecular consequence: missense variant.
Genome position (GRCh38, 1-based): chrX:53,552,830, T>A on the plus strand (A>T on the coding strand, the complement: HUWE1 is on the minus strand). VCF-style: chrX-53552830-T-A. GRCh37 (hg19) VCF-style: chrX-53579791-T-A.
Other names: short protein forms E2853V.
Identifiers: ClinVar variation 283731 (VCV000283731.9), dbSNP rs782052479, ClinGen allele CA10421771.